The following is an entry in ClinVar:

NM_000529.2(MC2R):c.409C>T (p.Arg137Trp)

Gene: MC2R (melanocortin 2 receptor; minus strand). Cytogenetic location: 18p11.21.
Variant type: single nucleotide variant.
Coding change: c.409C>T on transcript NM_000529.2 (MANE Select); coding-DNA position 409, C replaced by T.
Protein change: p.Arg137Trp; replaces arginine 137 with tryptophan.
Molecular consequence: missense variant.
Genome position (GRCh38, 1-based): chr18:13,885,110, G>A on the plus strand (C>T on the coding strand, the complement: MC2R is on the minus strand). VCF-style: chr18-13885110-G-A. GRCh37 (hg19) VCF-style: chr18-13885109-G-A.
Other names: c.409C>T, p.Arg137Trp (NM_001291911.1); short protein forms R137W.
Identifiers: ClinVar variation 3265 (VCV000003265.9), dbSNP rs104894660, ClinGen allele CA116123.

ClinVar aggregate classification (germline): Pathogenic/Likely pathogenic. Review status: criteria provided, multiple submitters, no conflicts (2 of 4 stars). 5 submissions from 5 submitters: Pathogenic (2); Likely pathogenic (1). 2 of the submissions do not count toward it. Last evaluated 2024-12-12.

Conditions:
Glucocorticoid Deficiency. Identifiers: MedGen C1955741.
Glucocorticoid deficiency 1 (GCCD1). Also called: Adrenal unresponsiveness to acth; FAMILIAL GLUCOCORTICOID DEFICIENCY 1; Glucocorticoid deficiency, due to ACTH unresponsiveness. Identifiers: Orphanet 361, MedGen C4049650, MONDO:0024536, OMIM 202200.

Allele frequency attached by ClinVar (database versions not stated): gnomAD 0.00001 and 0.00003; TOPMed 0.00002; 1000 Genomes Project 30x 0.00016.
gnomAD v4.1: 31 of 1,614,132 alleles (0.0019%); highest among the groups gnomAD compares: Admixed American, 0.028%; no homozygotes.

Submissions (5):

GeneDx
Classification: Likely pathogenic. Last evaluated: 2024-12-12. Review status: criteria provided, single submitter. Criteria: GeneDx Variant Classification Process June 2021. Collection method: clinical testing. Allele origin: germline. Affected: yes.
Comment: Published functional studies demonstrate very low activity when stimulated with high doses of ACTH (PMID: 12213892); In silico analysis supports that this missense variant has a deleterious effect on protein structure/function; This variant is associated with the following publications: (PMID: 18840636, 12213892, 26523528, 32952553, 10971458, 15673970, 38430736)

Women's Health and Genetics/Laboratory Corporation of America, LabCorp
Classification: Pathogenic for Glucocorticoid deficiency 1. Last evaluated: 2024-11-06. Review status: criteria provided, single submitter. Criteria: LabCorp Variant Classification Summary - May 2015. Collection method: clinical testing. Allele origin: germline.
Comment: Variant summary: MC2R c.409C>T (p.Arg137Trp) results in a non-conservative amino acid change in the encoded protein sequence. Four of five in-silico tools predict a damaging effect of the variant on protein function. The variant allele was found at a frequency of 6e-05 in 251244 control chromosomes. This frequency is not significantly higher than estimated for a pathogenic variant in MC2R causing Glucocorticoid Deficiency, Due To ACTH Unresponsiveness, allowing no conclusion about variant significance. c.409C>T has been reported in the literature in individuals affected with Glucocorticoid Deficiency (example: Ishii_2000, Fluck_2002, Guran_2015). These data indicate that the variant is likely to be associated with disease. At least one publication reports experimental evidence that variant reduced normal activity (Fluck_2002). The following publications have been ascertained in the context of this evaluation (PMID: 12213892, 26523528, 10971458). ClinVar contains an entry for this variant (Variation ID: 3265). Based on the evidence outlined above, the variant was classified as pathogenic.

Labcorp Genetics (formerly Invitae), Labcorp
Classification: Pathogenic. Last evaluated: 2021-09-02. Review status: criteria provided, single submitter. Criteria: Invitae Variant Classification Sherloc (09022015). Collection method: clinical testing. Allele origin: germline.

Clinical Molecular Genetics Laboratory, Johns Hopkins All Children's Hospital
Classification: Pathogenic for Glucocorticoid Deficiency. Last evaluated: 2008-04-16. Review status: no assertion criteria provided. Collection method: clinical testing. Allele origin: germline. Affected: yes. Not counted in ClinVar's aggregate classification.

OMIM
Classification: Pathogenic for GLUCOCORTICOID DEFICIENCY 1. Last evaluated: 2002-09-01. Review status: no assertion criteria provided. Collection method: literature only. Allele origin: germline. Not counted in ClinVar's aggregate classification.

Literature cited by the submitters: PubMed 26523528 (cited by Women's Health and Genetics/Laboratory Corporation of America, LabCorp); PubMed 12213892 (cited by Women's Health and Genetics/Laboratory Corporation of America, LabCorp and OMIM); PubMed 10971458 (cited by Women's Health and Genetics/Laboratory Corporation of America, LabCorp).